The following is an entry in ClinVar:

NM_030773.4(TUBB1):c.1022T>C (p.Phe341Ser)

Gene: TUBB1 (tubulin beta 1 class VI; plus strand). Cytogenetic location: 20q13.32.
Variant type: single nucleotide variant.
Coding change: c.1022T>C on transcript NM_030773.4 (MANE Select); coding-DNA position 1022, T replaced by C.
Protein change: p.Phe341Ser; replaces phenylalanine 341 with serine.
Molecular consequence: missense variant.
Genome position (GRCh38, 1-based): chr20:59,024,449, T>C. VCF-style: chr20-59024449-T-C. GRCh37 (hg19) VCF-style: chr20-57599504-T-C.
Other names: short protein forms F341S.
Identifiers: ClinVar variation 1982605 (VCV001982605.4), dbSNP rs781334561, ClinGen allele CA9928638.

ClinVar aggregate classification (germline): Uncertain significance (1 of 4 stars; one submission).

Allele frequency attached by ClinVar (database versions not stated): gnomAD 0.00001; ExAC 0.00002; TOPMed 0.00002; gnomAD exomes 0.00004.
gnomAD v4.1: 53 of 1,614,062 alleles (0.0033%); highest among the groups gnomAD compares: Admixed American, 0.0083%; no homozygotes.

Submission:

Labcorp Genetics (formerly Invitae), Labcorp
Classification: Uncertain significance. Last evaluated: 2025-08-26. Review status: criteria provided, single submitter. Criteria: Invitae Variant Classification Sherloc (09022015). Collection method: clinical testing. Allele origin: germline.
Comment: This sequence change replaces phenylalanine, which is neutral and non-polar, with serine, which is neutral and polar, at codon 341 of the TUBB1 protein (p.Phe341Ser). This variant is present in population databases (rs781334561, gnomAD 0.01%). This variant has not been reported in the literature in individuals affected with TUBB1-related conditions. ClinVar contains an entry for this variant (Variation ID: 1982605). Invitae Evidence Modeling of protein sequence and biophysical properties (such as structural, functional, and spatial information, amino acid conservation, physicochemical variation, residue mobility, and thermodynamic stability) indicates that this missense variant is expected to disrupt TUBB1 protein function with a positive predictive value of 80%. In summary, the available evidence is currently insufficient to determine the role of this variant in disease. Therefore, it has been classified as a Variant of Uncertain Significance.